The following is an entry in ClinVar:

ClinVar aggregate classification (germline): Uncertain significance (1 of 4 stars; one submission).

Conditions:
Muscle AMP deaminase deficiency (MMDD). Also called: Myoadenylate deaminase deficiency, myopathy due to; Adenosine monophosphate deaminase 1 deficiency; AMP deaminase 1 deficiency; Adenosine Monophosphate Deaminase 1; ADENOSINE MONOPHOSPHATE DEAMINASE-1 DEFICIENCY, MYOPATHY DUE TO; AMPD1 DEFICIENCY. Identifiers: Orphanet 45, MedGen C3714933, MONDO:0014220, OMIM 615511.

Submission:

Labcorp Genetics (formerly Invitae), Labcorp
Classification: Uncertain significance for Muscle AMP deaminase deficiency. Last evaluated: 2022-02-27. Review status: criteria provided, single submitter. Criteria: Invitae Variant Classification Sherloc (09022015). Collection method: clinical testing. Allele origin: germline.
Comment: Algorithms developed to predict the effect of missense changes on protein structure and function (SIFT, PolyPhen-2, Align-GVGD) all suggest that this variant is likely to be disruptive. This sequence change replaces methionine, which is neutral and non-polar, with lysine, which is basic and polar, at codon 685 of the AMPD1 protein (p.Met685Lys). This variant is not present in population databases (gnomAD no frequency). This variant has not been reported in the literature in individuals affected with AMPD1-related conditions. In summary, the available evidence is currently insufficient to determine the role of this variant in disease. Therefore, it has been classified as a Variant of Uncertain Significance.

NM_000036.3(AMPD1):c.1955T>A (p.Met652Lys)

Gene: AMPD1 (adenosine monophosphate deaminase 1; minus strand). Cytogenetic location: 1p13.2.
Variant type: single nucleotide variant.
Coding change: c.1955T>A on transcript NM_000036.3 (MANE Select); coding-DNA position 1955, T replaced by A.
Protein change: p.Met652Lys; replaces methionine 652 with lysine.
Molecular consequence: missense variant.
Genome position (GRCh38, 1-based): chr1:114,673,928, A>T on the plus strand (T>A on the coding strand, the complement: AMPD1 is on the minus strand). VCF-style: chr1-114673928-A-T. GRCh37 (hg19) VCF-style: chr1-115216549-A-T.
Other names: c.1943T>A, p.Met648Lys (NM_001172626.2); short protein forms M652K, M648K.
Identifiers: ClinVar variation 2104126 (VCV002104126.4), dbSNP rs769163078, ClinGen allele CA341744265.